The following is an entry in ClinVar:

ClinVar aggregate classification (germline): Pathogenic. Review status: criteria provided, multiple submitters, no conflicts (2 of 4 stars). 3 submissions from 3 submitters: Pathogenic (3). Last evaluated 2025-12-15.

Conditions:
Hereditary spherocytosis type 2. Also called: SPHEROCYTOSIS, TYPE 2, AUTOSOMAL DOMINANT. Identifiers: Orphanet 822, MedGen C2674219, MONDO:0000913, OMIM 616649.

Submissions (3):

Labcorp Genetics (formerly Invitae), Labcorp
Classification: Pathogenic. Last evaluated: 2025-12-15. Review status: criteria provided, single submitter. Criteria: Invitae Variant Classification Sherloc (09022015). Collection method: clinical testing. Allele origin: germline.
Comment: This sequence change creates a premature translational stop signal (p.Glu29*) in the SPTB gene. It is expected to result in an absent or disrupted protein product. Loss-of-function variants in SPTB are known to be pathogenic (PMID: 1391962, 1498324, 8844207, 26830532, 27292444). This variant is not present in population databases (gnomAD no frequency). This variant has not been reported in the literature in individuals affected with SPTB-related conditions. ClinVar contains an entry for this variant (Variation ID: 1676986). For these reasons, this variant has been classified as Pathogenic.

Revvity Omics, Revvity
Classification: Pathogenic. Last evaluated: 2024-12-17. Review status: criteria provided, single submitter. Criteria: ACMG Guidelines, 2015. Collection method: clinical testing. Allele origin: germline.

Jiangsu Institute of Hematology, the First Affiliated Hospital of Soochow University
Classification: Pathogenic for Hereditary spherocytosis type 2. Last evaluated: 2022-03-01. Review status: criteria provided, single submitter. Criteria: ACMG Guidelines, 2015. Collection method: research. Allele origin: unknown. Affected: yes.

Literature cited by the submitters: PubMed 1391962 (cited by Labcorp Genetics (formerly Invitae), Labcorp); PubMed 1498324 (cited by Labcorp Genetics (formerly Invitae), Labcorp); PubMed 8844207 (cited by Labcorp Genetics (formerly Invitae), Labcorp); PubMed 26830532 (cited by Labcorp Genetics (formerly Invitae), Labcorp); PubMed 27292444 (cited by Labcorp Genetics (formerly Invitae), Labcorp).

NM_001355436.2(SPTB):c.85G>T (p.Glu29Ter)

Gene: SPTB (spectrin beta, erythrocytic; minus strand). Cytogenetic location: 14q23.3.
Variant type: single nucleotide variant.
Coding change: c.85G>T on transcript NM_001355436.2 (MANE Select); coding-DNA position 85, G replaced by T.
Protein change: p.Glu29Ter; replaces glutamic acid 29 with a stop codon.
Molecular consequence: nonsense.
Genome position (GRCh38, 1-based): chr14:64,823,010, C>A on the plus strand (G>T on the coding strand, the complement: SPTB is on the minus strand). VCF-style: chr14-64823010-C-A. GRCh37 (hg19) VCF-style: chr14-65289728-C-A.
Other names: c.85G>T, p.Glu29Ter (NM_001024858.4, NM_001355437.2); short protein forms E29*.
Identifiers: ClinVar variation 1676986 (VCV001676986.5), dbSNP rs777962458, ClinGen allele CA390038307.